The following is an entry in ClinVar:

NM_002878.4(RAD51D):c.33C>A (p.Gly11=)

Genes: RAD51L3-RFFL (RAD51L3-RFFL readthrough; minus strand), RAD51D (RAD51 paralog D; minus strand). Cytogenetic location: 17q12.
Variant type: single nucleotide variant.
Coding change: c.33C>A on transcript NM_002878.4 (MANE Select); coding-DNA position 33, C replaced by A.
Protein change: p.Gly11=; no amino-acid change (glycine 11 retained).
Molecular consequence: synonymous variant. On other transcripts: non-coding transcript variant (2).
Genome position (GRCh38, 1-based): chr17:35,119,581, G>T on the plus strand (C>A on the coding strand, the complement: RAD51D is on the minus strand). VCF-style: chr17-35119581-G-T. GRCh37 (hg19) VCF-style: chr17-33446600-G-T.
Other names: c.33C>A, p.Gly11= (NM_001142571.2, NM_133629.3).
Identifiers: ClinVar variation 3903804 (VCV003903804.1).

ClinVar aggregate classification (germline): Benign (1 of 4 stars; one submission).

Conditions:
Breast-ovarian cancer, familial, susceptibility to, 4. Identifiers: Orphanet 145, MedGen C3280345, MONDO:0013669, OMIM 614291.

Submission:

Myriad Genetics, Inc.
Classification: Benign for Breast-ovarian cancer, familial, susceptibility to, 4. Last evaluated: 2025-02-19. Review status: criteria provided, single submitter. Criteria: Myriad Autosomal Dominant, Autosomal Recessive and X-Linked Classification Criteria (2023). Collection method: clinical testing. Allele origin: unknown.
Comment: This variant is considered benign. This variant is a silent/synonymous amino acid change and it is not expected to impact splicing.